The following is an entry in ClinVar:

NM_032217.5(ANKRD17):c.5799C>A (p.Ser1933Arg)

Gene: ANKRD17 (ankyrin repeat domain 17; minus strand). Cytogenetic location: 4q13.3.
Variant type: single nucleotide variant.
Coding change: c.5799C>A on transcript NM_032217.5 (MANE Select); coding-DNA position 5799, C replaced by A.
Protein change: p.Ser1933Arg; replaces serine 1933 with arginine.
Molecular consequence: missense variant.
Genome position (GRCh38, 1-based): chr4:73,091,829, G>T on the plus strand (C>A on the coding strand, the complement: ANKRD17 is on the minus strand). VCF-style: chr4-73091829-G-T. GRCh37 (hg19) VCF-style: chr4-73957546-G-T.
Other names: c.5460C>A, p.Ser1820Arg (NM_001286771.3); c.5796C>A, p.Ser1932Arg (NM_015574.2); c.5046C>A, p.Ser1682Arg (NM_198889.3); short protein forms S1932R, S1820R, S1682R, S1933R.
Identifiers: ClinVar variation 5009496 (VCV005009496.1).

ClinVar aggregate classification (germline): Uncertain significance (1 of 4 stars; one submission).

Submission:

GeneDx
Classification: Uncertain significance. Last evaluated: 2026-03-19. Review status: criteria provided, single submitter. Criteria: GeneDx Variant Classification Process June 2021. Collection method: clinical testing. Allele origin: germline.
Comment: Not observed at significant frequency in large population cohorts (gnomAD); In silico analysis suggests that this missense variant does not alter protein structure/function; Has not been previously published as pathogenic or benign to our knowledge